The following is an entry in ClinVar:

NM_020791.4(TAOK1):c.1576-1G>A

Gene: TAOK1 (TAO kinase 1; plus strand). Cytogenetic location: 17q11.2.
Variant type: single nucleotide variant.
Coding change: c.1576-1G>A on transcript NM_020791.4 (MANE Select); the canonical splice acceptor site of the intron before coding-DNA position 1576, G replaced by A.
Molecular consequence: splice acceptor variant.
Genome position (GRCh38, 1-based): chr17:29,510,863, G>A. VCF-style: chr17-29510863-G-A. GRCh37 (hg19) VCF-style: chr17-27837881-G-A.
Other names: c.1576-1G>A (NM_025142.1).
Identifiers: ClinVar variation 4865306 (VCV004865306.2).

ClinVar aggregate classification (germline): Likely pathogenic (1 of 4 stars; one submission).

Conditions:
Inborn genetic diseases. Identifiers: MedGen C0950123, MeSH D030342.

Submission:

Ambry Genetics
Classification: Likely pathogenic for Inborn genetic diseases. Last evaluated: 2026-06-15. Review status: criteria provided, single submitter. Criteria: Ambry Variant Classification Scheme 2023. Collection method: clinical testing. Allele origin: germline.
Comment: The c.1576-1G>A intronic variant consists of a G to A substitution one nucleotide before exon 15 (coding exon 14) of the TAOK1 gene. Variants that disrupt the canonical splice site are expected to cause aberrant splicing, resulting in an abnormal protein or a transcript that is subject to nonsense-mediated mRNA decay. This variant was not reported in population-based cohorts in the Genome Aggregation Database (gnomAD). This nucleotide position is highly conserved in available vertebrate species. RNA studies have demonstrated that this variant results in abnormal splicing in the set of samples tested (Ambry internal data). In silico splice site analysis predicts that this alteration will weaken the native splice acceptor site and will result in the creation or strengthening of a novel splice acceptor site. Based on the available evidence, this alteration is classified as likely pathogenic.